The following is an entry in ClinVar:

ClinVar aggregate classification (germline): Benign. Review status: criteria provided, multiple submitters, no conflicts (2 of 4 stars). 2 submissions from 2 submitters: Benign (2). Last evaluated 2018-01-12.

Conditions:
Congenital fibrosis of extraocular muscles type 1. Also called: FEOM1 LOCUS; OPHTHALMOPLEGIA, CONGENITAL; CFEOM3B; BLEPHAROPTOSIS WITH ABSENT EYE MOVEMENTS. Identifiers: MedGen C1851102, MONDO:0021083, OMIM 135700.

Allele frequency attached by ClinVar (database versions not stated): gnomAD 0.03024 and 0.03008; 1000 Genomes Project 30x 0.01780; 1000 Genomes Project 0.01757; TOPMed 0.02408.

Submissions (2):

Illumina Laboratory Services, Illumina
Classification: Benign for Congenital fibrosis of extraocular muscles type 1. Last evaluated: 2018-01-12. Review status: criteria provided, single submitter. Criteria: ICSL Variant Classification Criteria 13 December 2019. Collection method: clinical testing. Allele origin: germline.
Comment: This variant was observed in the ICSL laboratory as part of a predisposition screen in an ostensibly healthy population. It had not been previously curated by ICSL or reported in the Human Gene Mutation Database (HGMD: prior to June 1st, 2018), and was therefore a candidate for classification through an automated scoring system. Utilizing variant allele frequency, disease prevalence and penetrance estimates, and inheritance mode, an automated score was calculated to assess if this variant is too frequent to cause the disease. Based on the score and internal cut-off values, a variant classified as benign is not then subjected to further curation. The score for this variant resulted in a classification of benign for this disease.

Breakthrough Genomics
Classification: Benign. Review status: criteria provided, single submitter. Criteria: ACMG Guidelines, 2015. Collection method: not provided. Allele origin: germline. Inheritance: Autosomal dominant inheritance. Affected: yes.

NM_017641.3(KIF21A):c.-165G>T

Gene: KIF21A (kinesin family member 21A; minus strand). Cytogenetic location: 12q12.
Variant type: single nucleotide variant.
Coding change: c.-165G>T on transcript NM_017641.3; 165 bases upstream of the start codon, G replaced by T.
Genome position (GRCh38, 1-based): chr12:39,443,135, C>A on the plus strand (G>T on the coding strand, the complement: KIF21A is on the minus strand). VCF-style: chr12-39443135-C-A. GRCh37 (hg19) VCF-style: chr12-39836937-C-A.
Identifiers: ClinVar variation 308598 (VCV000308598.8), dbSNP rs111306046, ClinGen allele CA10637343.